The following is an entry in ClinVar:

ClinVar aggregate classification (germline): Likely benign (1 of 4 stars; one submission).

Submission:

CeGaT Center for Human Genetics Tuebingen
Classification: Likely benign. Last evaluated: 2025-11-01. Review status: criteria provided, single submitter. Criteria: CeGaT Center For Human Genetics Tuebingen Variant Classification Criteria Version 2. Collection method: clinical testing. Allele origin: germline. Affected: yes. Observed: 3 variant alleles.
Comment: ANKRD36B: BP4, BP7

NM_001393939.1(ANKRD36B):c.3514C>T (p.Leu1172=)

Gene: ANKRD36B (ankyrin repeat domain 36B; minus strand). Cytogenetic location: 2q11.2.
Variant type: single nucleotide variant.
Coding change: c.3514C>T on transcript NM_001393939.1 (MANE Select); coding-DNA position 3514, C replaced by T.
Protein change: p.Leu1172=; no amino-acid change (leucine 1172 retained).
Molecular consequence: synonymous variant.
Genome position (GRCh38, 1-based): chr2:97,511,344, G>A on the plus strand (C>T on the coding strand, the complement: ANKRD36B is on the minus strand). VCF-style: chr2-97511344-G-A. GRCh37 (hg19) VCF-style: chr2-98127807-G-A.
Other names: c.3514C>T, p.Leu1172= (NM_025190.4).
Identifiers: ClinVar variation 3770982 (VCV003770982.13).
Genomic context (GRCh38, chr2:97,511,344, plus strand): 5'-TGGCTTGAATATTAAGTATTGCTTTTTCTTGATTGTCAGCTTTGTTGCGAGCATCATCCA[G>A]TTGCTGTTGAAGCAACATATTTTGTTTTTTTAGTTGACAAAATCTTTCCTGTTTTTCTAT-3'
Protein context (NP_001380868.1, residues 1162-1182): KKQNMLLQQQ[Leu1172=]DDARNKADNQ